The following is an entry in ClinVar:

NM_153816.6(SNX14):c.915T>C (p.Pro305=)

Gene: SNX14 (sorting nexin 14; minus strand). Cytogenetic location: 6q14.3.
Variant type: single nucleotide variant.
Coding change: c.915T>C on transcript NM_153816.6 (MANE Select); coding-DNA position 915, T replaced by C.
Protein change: p.Pro305=; no amino-acid change (proline 305 retained).
Molecular consequence: synonymous variant. On other transcripts: 5 prime UTR variant (7), non-coding transcript variant (6).
Genome position (GRCh38, 1-based): chr6:85,547,395, A>G on the plus strand (T>C on the coding strand, the complement: SNX14 is on the minus strand). VCF-style: chr6-85547395-A-G. GRCh37 (hg19) VCF-style: chr6-86257113-A-G.
Other names: c.915T>C, p.Pro305= (NM_001297614.3, NM_001350540.2, NM_001350541.2); c.759T>C, p.Pro253= (NM_001304479.2); c.978T>C, p.Pro326= (NM_001350532.2); c.912T>C, p.Pro304= (NM_001350533.2, NM_001350534.2, NM_001350535.2); c.783T>C, p.Pro261= (NM_001350536.2, NM_020468.6); c.780T>C, p.Pro260= (NM_001350537.2); c.771T>C, p.Pro257= (NM_001350538.2); c.756T>C, p.Pro252= (NM_001350539.2); and 7 more.
Identifiers: ClinVar variation 3042861 (VCV003042861.2), dbSNP rs1248393283, ClinGen allele CA451131480.

ClinVar aggregate classification (germline): Likely benign (0 of 4 stars; one submission).

Conditions:
SNX14-related disorder. Also called: SNX14-related condition.

Allele frequency attached by ClinVar (database versions not stated): gnomAD exomes 0.00002.
gnomAD v4.1: 24 of 1,612,724 alleles (0.0015%); highest among the groups gnomAD compares: Non-Finnish European, 0.002%; no homozygotes.

Submission:

PreventionGenetics, part of Exact Sciences
Classification: Likely benign for SNX14-related condition. Last evaluated: 2019-06-27. Review status: no assertion criteria provided. Collection method: clinical testing. Allele origin: germline.
Comment: This variant is classified as likely benign based on ACMG/AMP sequence variant interpretation guidelines (Richards et al. 2015 PMID: 25741868, with internal and published modifications).